The following is an entry in ClinVar:

NM_000211.5(ITGB2):c.1116C>T (p.Asn372=)

Gene: ITGB2 (integrin subunit beta 2; minus strand). Cytogenetic location: 21q22.3.
Variant type: single nucleotide variant.
Coding change: c.1116C>T on transcript NM_000211.5 (MANE Select); coding-DNA position 1116, C replaced by T.
Protein change: p.Asn372=; no amino-acid change (asparagine 372 retained).
Molecular consequence: synonymous variant.
Genome position (GRCh38, 1-based): chr21:44,893,512, G>A on the plus strand (C>T on the coding strand, the complement: ITGB2 is on the minus strand). VCF-style: chr21-44893512-G-A. GRCh37 (hg19) VCF-style: chr21-46313427-G-A.
Other names: c.1116C>T, p.Asn372= (NM_001127491.3); c.909C>T, p.Asn303= (NM_001303238.2); c.1116C>T (NM_000211.4).
Identifiers: ClinVar variation 1148901 (VCV001148901.11), dbSNP rs201278836, ClinGen allele CA10062923.

ClinVar aggregate classification (germline): Likely benign. Review status: criteria provided, single submitter (1 of 4 stars). 2 submissions from 2 submitters: Likely benign (1). 1 of the submissions does not count toward it. Last evaluated 2026-01-02.

Conditions:
Leukocyte adhesion deficiency 1 (LAD1). Also called: LEUKOCYTE ADHESION DEFICIENCY, TYPE I; LAD 1; Lymphocyte function-associated antigen 1 immunodeficiency; LFA 1 immunodeficiency. Identifiers: Orphanet 2968, Orphanet 99842, MedGen C0398738, MONDO:0007293, OMIM 116920.
ITGB2-related disorder. Also called: ITGB2-related condition.

Allele frequency attached by ClinVar (database versions not stated): gnomAD 0.00001 and 0.00004; TOPMed 0.00002; gnomAD exomes 0.00012; ExAC 0.00015; 1000 Genomes Project 30x 0.00016; 1000 Genomes Project 0.00020.
gnomAD v4.1: 121 of 1,614,114 alleles (0.0075%); highest among the groups gnomAD compares: South Asian, 0.081%; 1 homozygote.

Submissions (2):

Labcorp Genetics (formerly Invitae), Labcorp
Classification: Likely benign for Leukocyte adhesion deficiency 1. Last evaluated: 2026-01-02. Review status: criteria provided, single submitter. Criteria: Invitae Variant Classification Sherloc (09022015). Collection method: clinical testing. Allele origin: germline.

PreventionGenetics, part of Exact Sciences
Classification: Likely benign for ITGB2-related condition. Last evaluated: 2022-02-16. Review status: no assertion criteria provided. Collection method: clinical testing. Allele origin: germline. Not counted in ClinVar's aggregate classification.
Comment: This variant is classified as likely benign based on ACMG/AMP sequence variant interpretation guidelines (Richards et al. 2015 PMID: 25741868, with internal and published modifications).